The following is an entry in ClinVar:

ClinVar aggregate classification (germline): Likely pathogenic (1 of 4 stars; one submission).

Conditions:
Developmental and epileptic encephalopathy 116. Identifiers: MedGen C5935615, MONDO:0970945, OMIM 620806.

Submission:

Rare Disease Center, Seoul National University Hospital
Classification: Likely pathogenic for Developmental and epileptic encephalopathy 116. Review status: criteria provided, single submitter. Criteria: ACMG Guidelines, 2015. Collection method: clinical testing. Allele origin: de novo. Affected: yes.
Comment: PS2, PS3, PM2

NM_001033044.4(GLUL):c.-13-1G>C

Gene: GLUL (glutamate-ammonia ligase; minus strand). Cytogenetic location: 1q25.3.
Variant type: single nucleotide variant.
Coding change: c.-13-1G>C on transcript NM_001033044.4 (MANE Select); the canonical splice acceptor site of the intron before 13 bases upstream of the start codon, G replaced by C.
Molecular consequence: splice acceptor variant.
Genome position (GRCh38, 1-based): chr1:182,388,751, C>G on the plus strand (G>C on the coding strand, the complement: GLUL is on the minus strand). VCF-style: chr1-182388751-C-G. GRCh37 (hg19) VCF-style: chr1-182357886-C-G.
Other names: c.-13-1G>C (NM_002065.7, NM_001033056.4).
Identifiers: ClinVar variation 3899941 (VCV003899941.2).